The following is an entry in ClinVar:

ClinVar aggregate classification (germline): Uncertain significance (1 of 4 stars; one submission).

Conditions:
Mucopolysaccharidosis, MPS-III-A (MPS3A). Also called: HEPARAN SULFATE SULFATASE DEFICIENCY; SANFILIPPO SYNDROME A; SULFAMIDASE DEFICIENCY; MPS III A; Mucopolysaccharidosis, type IIIA; MUCOPOLYSACCHARIDOSIS, TYPE IIIA, ATTENUATED. Identifiers: Orphanet 581, Orphanet 79269, MedGen C0086647, MONDO:0009655, OMIM 252900.

Allele frequency attached by ClinVar (database versions not stated): ESP Exome Variant Server 0.00008.
gnomAD v4.1: 20 of 1,612,830 alleles (0.0012%); highest among the groups gnomAD compares: South Asian, 0.0044%; no homozygotes.

Submission:

Labcorp Genetics (formerly Invitae), Labcorp
Classification: Uncertain significance for Mucopolysaccharidosis, MPS-III-A. Last evaluated: 2022-05-15. Review status: criteria provided, single submitter. Criteria: Invitae Variant Classification Sherloc (09022015). Collection method: clinical testing. Allele origin: germline.
Comment: This sequence change replaces glycine, which is neutral and non-polar, with serine, which is neutral and polar, at codon 203 of the SGSH protein (p.Gly203Ser). This variant is present in population databases (rs369368791, gnomAD no frequency). This variant has not been reported in the literature in individuals affected with SGSH-related conditions. Advanced modeling of protein sequence and biophysical properties (such as structural, functional, and spatial information, amino acid conservation, physicochemical variation, residue mobility, and thermodynamic stability) performed at Invitae indicates that this missense variant is expected to disrupt SGSH protein function. In summary, the available evidence is currently insufficient to determine the role of this variant in disease. Therefore, it has been classified as a Variant of Uncertain Significance.

NM_000199.5(SGSH):c.607G>A (p.Gly203Ser)

Gene: SGSH (N-sulfoglucosamine sulfohydrolase; minus strand). Cytogenetic location: 17q25.3.
Variant type: single nucleotide variant.
Coding change: c.607G>A on transcript NM_000199.5 (MANE Select); coding-DNA position 607, G replaced by A.
Protein change: p.Gly203Ser; replaces glycine 203 with serine.
Molecular consequence: missense variant. On other transcripts: non-coding transcript variant (1).
Genome position (GRCh38, 1-based): chr17:80,214,228, C>T on the plus strand (G>A on the coding strand, the complement: SGSH is on the minus strand). VCF-style: chr17-80214228-C-T. GRCh37 (hg19) VCF-style: chr17-78188027-C-T.
Other names: c.607G>A, p.Gly203Ser (NM_001352921.3, NM_001352922.2); short protein forms G203S.
Identifiers: ClinVar variation 2161254 (VCV002161254.1), dbSNP rs369368791, ClinGen allele CA294894731.
Genomic context (GRCh38, chr17:80,214,228, plus strand): 5'-CTACCAGCACGTCCAGTGGGTCGTAGGCCTGGGGGGTCCAGTCTGGGATACGACCCATGC[C>T]GCTCTCTCCGTTGCCAAACTTCTCACAGAAGGTTCCGTACTGGGGCTGGGAGTGCCCACA-3'
Protein context (NP_000190.1, residues 193-213): FCEKFGNGES[Gly203Ser]MGRIPDWTPQ